The following is an entry in ClinVar:

NM_001367561.1(DOCK7):c.4355G>A (p.Arg1452His)

Gene: DOCK7 (dedicator of cytokinesis 7; minus strand). Cytogenetic location: 1p31.3.
Variant type: single nucleotide variant.
Coding change: c.4355G>A on transcript NM_001367561.1 (MANE Select); coding-DNA position 4355, G replaced by A.
Protein change: p.Arg1452His; replaces arginine 1452 with histidine.
Molecular consequence: missense variant.
Genome position (GRCh38, 1-based): chr1:62,510,601, C>T on the plus strand (G>A on the coding strand, the complement: DOCK7 is on the minus strand). VCF-style: chr1-62510601-C-T. GRCh37 (hg19) VCF-style: chr1-62976272-C-T.
Other names: c.4328G>A, p.Arg1443His (NM_001271999.2, NM_001330614.2); c.4235G>A, p.Arg1412His (NM_001272000.2, NM_001272001.2); c.4262G>A, p.Arg1421His (NM_033407.4); short protein forms R1412H, R1421H, R1443H, R1452H.
Identifiers: ClinVar variation 2164891 (VCV002164891.2), dbSNP rs1381692784, ClinGen allele CA340622737.

ClinVar aggregate classification (germline): Uncertain significance (1 of 4 stars; one submission).

Conditions:
Developmental and epileptic encephalopathy, 23 (DEE23). Also called: Epileptic encephalopathy, early infantile, 23. Identifiers: Orphanet 411986, MedGen C4014492, MONDO:0014371, OMIM 615859.

Allele frequency attached by ClinVar (database versions not stated): TOPMed 0.00001.
gnomAD v4.1: 7 of 1,613,072 alleles (0.00043%); highest among the groups gnomAD compares: South Asian, 0.0011%; no homozygotes.

Submission:

Labcorp Genetics (formerly Invitae), Labcorp
Classification: Uncertain significance for Developmental and epileptic encephalopathy, 23. Last evaluated: 2022-04-23. Review status: criteria provided, single submitter. Criteria: Invitae Variant Classification Sherloc (09022015). Collection method: clinical testing. Allele origin: germline.
Comment: This sequence change replaces arginine, which is basic and polar, with histidine, which is basic and polar, at codon 1443 of the DOCK7 protein (p.Arg1443His). This variant is present in population databases (no rsID available, gnomAD 0.02%). This variant has not been reported in the literature in individuals affected with DOCK7-related conditions. Algorithms developed to predict the effect of missense changes on protein structure and function are either unavailable or do not agree on the potential impact of this missense change (SIFT: "Tolerated"; PolyPhen-2: "Probably Damaging"; Align-GVGD: "Class C0"). In summary, the available evidence is currently insufficient to determine the role of this variant in disease. Therefore, it has been classified as a Variant of Uncertain Significance.